The following is an entry in ClinVar:

ClinVar aggregate classification (germline): Likely benign. Review status: criteria provided, multiple submitters, no conflicts (2 of 4 stars). 3 submissions from 3 submitters: Likely benign (2). 1 of the submissions does not count toward it. Last evaluated 2022-06-28.

Conditions:
UGT1A1-related disorder. Also called: UGT1A1-related disorders; UGT1A1-related condition.

Allele frequency attached by ClinVar (database versions not stated): gnomAD 0.00001; gnomAD exomes 0.00004 and 0.00006; ExAC 0.00007; TOPMed 0.00010.
gnomAD v4.1: 28 of 1,613,982 alleles (0.0017%); highest among the groups gnomAD compares: Admixed American, 0.03%; no homozygotes.

Submissions (3):

Labcorp Genetics (formerly Invitae), Labcorp
Classification: Likely benign. Last evaluated: 2022-06-28. Review status: criteria provided, single submitter. Criteria: Invitae Variant Classification Sherloc (09022015). Collection method: clinical testing. Allele origin: germline.

ARUP Laboratories, Molecular Genetics and Genomics, ARUP Laboratories
Classification: Likely benign. Last evaluated: 2021-04-29. Review status: criteria provided, single submitter. Criteria: ARUP Molecular Germline Variant Investigation Process 2021. Collection method: clinical testing. Allele origin: germline.

PreventionGenetics, part of Exact Sciences
Classification: Likely benign for UGT1A1-related condition. Last evaluated: 2022-06-22. Review status: no assertion criteria provided. Collection method: clinical testing. Allele origin: germline. Not counted in ClinVar's aggregate classification.
Comment: This variant is classified as likely benign based on ACMG/AMP sequence variant interpretation guidelines (Richards et al. 2015 PMID: 25741868, with internal and published modifications).

NM_000463.3(UGT1A1):c.471C>T (p.Ser157=)

Genes: UGT1A8 (UDP glucuronosyltransferase family 1 member A8; plus strand), UGT1A9 (UDP glucuronosyltransferase family 1 member A9; plus strand), UGT1A4 (UDP glucuronosyltransferase family 1 member A4; plus strand), UGT1A5 (UDP glucuronosyltransferase family 1 member A5; plus strand), UGT1A6 (UDP glucuronosyltransferase family 1 member A6; plus strand) and 5 more. Cytogenetic location: 2q37.1.
Variant type: single nucleotide variant.
Coding change: c.471C>T on transcript NM_000463.3 (MANE Select); coding-DNA position 471, C replaced by T.
Protein change: p.Ser157=; no amino-acid change (serine 157 retained).
Molecular consequence: synonymous variant. On other transcripts: intron variant (9).
Genome position (GRCh38, 1-based): chr2:233,760,758, C>T. VCF-style: chr2-233760758-C-T. GRCh37 (hg19) VCF-style: chr2-234669404-C-T.
Other names: c.856-6276C>T (NM_019076.5, NM_019075.4, NM_021027.3 and 1 more transcripts); c.61-6276C>T (NM_205862.3); c.862-6276C>T (NM_001072.4); c.868-6276C>T (NM_019078.2, NM_007120.3, NM_019093.4).
Identifiers: ClinVar variation 1330555 (VCV001330555.17), dbSNP rs765894633, ClinGen allele CA2179828.